The following is an entry in ClinVar:

NM_182914.3(SYNE2):c.19037G>T (p.Arg6346Leu)

Gene: SYNE2 (spectrin repeat containing nuclear envelope protein 2; plus strand). Cytogenetic location: 14q23.2.
Variant type: single nucleotide variant.
Coding change: c.19037G>T on transcript NM_182914.3 (MANE Select); coding-DNA position 19037, G replaced by T.
Protein change: p.Arg6346Leu; replaces arginine 6346 with leucine.
Molecular consequence: missense variant.
Genome position (GRCh38, 1-based): chr14:64,212,986, G>T. VCF-style: chr14-64212986-G-T. GRCh37 (hg19) VCF-style: chr14-64679704-G-T.
Other names: c.19037G>T, p.Arg6346Leu (NM_015180.6); short protein forms R6346L.
Identifiers: ClinVar variation 1058608 (VCV001058608.9), dbSNP rs144633663, ClinGen allele CA7224288.

ClinVar aggregate classification (germline): Uncertain significance (1 of 4 stars; one submission).

Conditions:
Emery-Dreifuss muscular dystrophy 5, autosomal dominant (EDMD5). Also called: EMERY-DREIFUSS MUSCULAR DYSTROPHY 5. Identifiers: Orphanet 261, MedGen C2751805, MONDO:0013072, OMIM 612999.

Allele frequency attached by ClinVar (database versions not stated): gnomAD 0.00001; ESP Exome Variant Server 0.00008.
gnomAD v4.1: 12 of 1,613,532 alleles (0.00074%); highest among the groups gnomAD compares: Non-Finnish European, 0.001%; no homozygotes.

Submission:

Labcorp Genetics (formerly Invitae), Labcorp
Classification: Uncertain significance for Emery-Dreifuss muscular dystrophy 5, autosomal dominant. Last evaluated: 2022-08-23. Review status: criteria provided, single submitter. Criteria: Invitae Variant Classification Sherloc (09022015). Collection method: clinical testing. Allele origin: germline.
Comment: In summary, the available evidence is currently insufficient to determine the role of this variant in disease. Therefore, it has been classified as a Variant of Uncertain Significance. Algorithms developed to predict the effect of missense changes on protein structure and function are either unavailable or do not agree on the potential impact of this missense change (SIFT: "Tolerated"; PolyPhen-2: "Possibly Damaging"; Align-GVGD: "Class C0"). ClinVar contains an entry for this variant (Variation ID: 1058608). This variant has not been reported in the literature in individuals affected with SYNE2-related conditions. This variant is present in population databases (rs144633663, gnomAD 0.003%). This sequence change replaces arginine, which is basic and polar, with leucine, which is neutral and non-polar, at codon 6346 of the SYNE2 protein (p.Arg6346Leu).